The following is an entry in ClinVar:

NM_004525.3(LRP2):c.3254G>T (p.Arg1085Leu)

Gene: LRP2 (LDL receptor related protein 2; minus strand). Cytogenetic location: 2q31.1.
Variant type: single nucleotide variant.
Coding change: c.3254G>T on transcript NM_004525.3 (MANE Select); coding-DNA position 3254, G replaced by T.
Protein change: p.Arg1085Leu; replaces arginine 1085 with leucine.
Molecular consequence: missense variant.
Genome position (GRCh38, 1-based): chr2:169,244,869, C>A on the plus strand (G>T on the coding strand, the complement: LRP2 is on the minus strand). VCF-style: chr2-169244869-C-A. GRCh37 (hg19) VCF-style: chr2-170101379-C-A.
Other names: short protein forms R1085L.
Identifiers: ClinVar variation 3906558 (VCV003906558.1).
Genomic context (GRCh38, chr2:169,244,869, plus strand): 5'-GCGTGGGTGGGGCAGTTGTGCTCATCACTGCCATCCACACAGTCGTTGCGTTTGTCACAG[C>A]GCCAGTGTGCAGGAATGCACTCCCCATGGCCACAGGTGAACGCCGAAGATGAACAGGTAT-3'
Protein context (NP_004516.2, residues 1075-1095): GHGECIPAHW[Arg1085Leu]CDKRNDCVDG

ClinVar aggregate classification (germline): Uncertain significance (1 of 4 stars; one submission).

gnomAD v4.1: 2 of 1,614,052 alleles (0.00012%); highest among the groups gnomAD compares: African/African-American, 0.0013%; no homozygotes.

Submission:

GeneDx
Classification: Uncertain significance. Last evaluated: 2024-12-14. Review status: criteria provided, single submitter. Criteria: GeneDx Variant Classification Process June 2021. Collection method: clinical testing. Allele origin: germline. Affected: yes.
Comment: Not observed at significant frequency in large population cohorts (gnomAD); In silico analysis supports that this missense variant has a deleterious effect on protein structure/function; Has not been previously published as pathogenic or benign to our knowledge